The following is an entry in ClinVar:

NM_016824.5(ADD3):c.1878C>T (p.Val626=)

Gene: ADD3 (adducin 3; plus strand). Cytogenetic location: 10q25.2.
Variant type: single nucleotide variant.
Coding change: c.1878C>T on transcript NM_016824.5 (MANE Select); coding-DNA position 1878, C replaced by T.
Protein change: p.Val626=; no amino-acid change (valine 626 retained).
Molecular consequence: synonymous variant.
Genome position (GRCh38, 1-based): chr10:110,133,375, C>T. VCF-style: chr10-110133375-C-T. GRCh37 (hg19) VCF-style: chr10-111893133-C-T.
Other names: c.1782C>T, p.Val594= (NM_001121.4, NM_019903.5); c.1878C>T, p.Val626= (NM_001320591.2, NM_001320592.2, NM_001320593.2); c.1644C>T, p.Val548= (NM_001320594.2).
Identifiers: ClinVar variation 726537 (VCV000726537.16), dbSNP rs145028289, ClinGen allele CA5686770.

ClinVar aggregate classification (germline): Likely benign. Review status: criteria provided, multiple submitters, no conflicts (2 of 4 stars). 2 submissions from 2 submitters: Likely benign (2). Last evaluated 2026-02-01.

Allele frequency attached by ClinVar (database versions not stated): ESP Exome Variant Server 0.00023; ExAC 0.00027; gnomAD exomes 0.00027 and 0.00046; TOPMed 0.00034; gnomAD 0.00038 and 0.00039; 1000 Genomes Project 0.00060; 1000 Genomes Project 30x 0.00062.

Submissions (2):

CeGaT Center for Human Genetics Tuebingen
Classification: Likely benign. Last evaluated: 2026-02-01. Review status: criteria provided, single submitter. Criteria: CeGaT Center For Human Genetics Tuebingen Variant Classification Criteria Version 2. Collection method: clinical testing. Allele origin: germline. Affected: yes. Observed: 2 variant alleles.
Comment: ADD3: BP4, BP7

Labcorp Genetics (formerly Invitae), Labcorp
Classification: Likely benign. Last evaluated: 2025-04-23. Review status: criteria provided, single submitter. Criteria: Invitae Variant Classification Sherloc (09022015). Collection method: clinical testing. Allele origin: germline.